The following is an entry in ClinVar:

NM_000271.5(NPC1):c.167A>G (p.Tyr56Cys)

Gene: NPC1 (NPC intracellular cholesterol transporter 1; minus strand). Cytogenetic location: 18q11.2.
Variant type: single nucleotide variant.
Coding change: c.167A>G on transcript NM_000271.5 (MANE Select); coding-DNA position 167, A replaced by G.
Protein change: p.Tyr56Cys; replaces tyrosine 56 with cysteine.
Molecular consequence: missense variant.
Genome position (GRCh38, 1-based): chr18:23,573,465, T>C on the plus strand (A>G on the coding strand, the complement: NPC1 is on the minus strand). VCF-style: chr18-23573465-T-C. GRCh37 (hg19) VCF-style: chr18-21153429-T-C.
Other names: c.167A>G (NM_000271.4); short protein forms Y56C.
Identifiers: ClinVar variation 3615310 (VCV003615310.3).

ClinVar aggregate classification (germline): Uncertain significance. Review status: criteria provided, multiple submitters, no conflicts (2 of 4 stars). 2 submissions from 2 submitters: Uncertain significance (2). Last evaluated 2025-02-23.

Conditions:
Niemann-Pick disease, type C1. Also called: NIEMANN-PICK DISEASE, VARIANT TYPE C1; NEUROVISCERAL STORAGE DISEASE WITH VERTICAL SUPRANUCLEAR OPHTHALMOPLEGIA; NIEMANN-PICK DISEASE WITH CHOLESTEROL ESTERIFICATION BLOCK; NIEMANN-PICK DISEASE WITHOUT SPHINGOMYELINASE DEFICIENCY; NIEMANN-PICK DISEASE, CHRONIC NEURONOPATHIC FORM. Identifiers: Orphanet 646, MedGen C3179455, MONDO:0009757, OMIM 257220.
Inborn genetic diseases. Identifiers: MedGen C0950123, MeSH D030342.

gnomAD v4.1: 2 of 1,614,174 alleles (0.00012%); highest among the groups gnomAD compares: Non-Finnish European, 0.000085%; no homozygotes.

Submissions (2):

Ambry Genetics
Classification: Uncertain significance for Inborn genetic diseases. Last evaluated: 2025-02-23. Review status: criteria provided, single submitter. Criteria: Ambry Variant Classification Scheme 2023. Collection method: clinical testing. Allele origin: germline.

Labcorp Genetics (formerly Invitae), Labcorp
Classification: Uncertain significance for Niemann-Pick disease, type C1. Last evaluated: 2024-06-09. Review status: criteria provided, single submitter. Criteria: Invitae Variant Classification Sherloc (09022015). Collection method: clinical testing. Allele origin: germline.
Comment: This sequence change replaces tyrosine, which is neutral and polar, with cysteine, which is neutral and slightly polar, at codon 56 of the NPC1 protein (p.Tyr56Cys). This variant is present in population databases (no rsID available, gnomAD 0.0009%). This variant has not been reported in the literature in individuals affected with NPC1-related conditions. Advanced modeling of protein sequence and biophysical properties (such as structural, functional, and spatial information, amino acid conservation, physicochemical variation, residue mobility, and thermodynamic stability) performed at Invitae indicates that this missense variant is expected to disrupt NPC1 protein function with a positive predictive value of 95%. In summary, the available evidence is currently insufficient to determine the role of this variant in disease. Therefore, it has been classified as a Variant of Uncertain Significance.